The following is an entry in ClinVar:

NM_198271.5(LMOD3):c.1575G>A (p.Arg525=)

Gene: LMOD3 (leiomodin 3; minus strand). Cytogenetic location: 3p14.1.
Variant type: single nucleotide variant.
Coding change: c.1575G>A on transcript NM_198271.5 (MANE Select); coding-DNA position 1575, G replaced by A.
Protein change: p.Arg525=; no amino-acid change (arginine 525 retained).
Molecular consequence: synonymous variant.
Genome position (GRCh38, 1-based): chr3:69,118,780, C>T on the plus strand (G>A on the coding strand, the complement: LMOD3 is on the minus strand). VCF-style: chr3-69118780-C-T. GRCh37 (hg19) VCF-style: chr3-69167931-C-T.
Other names: c.1575G>A, p.Arg525= (NM_001304418.3).
Identifiers: ClinVar variation 3032110 (VCV003032110.3), dbSNP rs766157059, ClinGen allele CA2488733.

ClinVar aggregate classification (germline): Likely benign. Review status: criteria provided, single submitter (1 of 4 stars). 2 submissions from 2 submitters: Likely benign (1). 1 of the submissions does not count toward it. Last evaluated 2025-12-30.

Conditions:
Nemaline myopathy 10 (NEM10). Identifiers: MedGen C4015360, MONDO:0014513, OMIM 616165.
LMOD3-related disorder. Also called: LMOD3-related condition.

Allele frequency attached by ClinVar (database versions not stated): gnomAD exomes below 0.00001; TOPMed 0.00001; ExAC 0.00002; gnomAD 0.00002.
gnomAD v4.1: 7 of 1,611,396 alleles (0.00043%); highest among the groups gnomAD compares: African/African-American, 0.0054%; no homozygotes.

Submissions (2):

Labcorp Genetics (formerly Invitae), Labcorp
Classification: Likely benign for Nemaline myopathy 10. Last evaluated: 2025-12-30. Review status: criteria provided, single submitter. Criteria: Invitae Variant Classification Sherloc (09022015). Collection method: clinical testing. Allele origin: germline.

PreventionGenetics, part of Exact Sciences
Classification: Likely benign for LMOD3-related condition. Last evaluated: 2020-08-26. Review status: no assertion criteria provided. Collection method: clinical testing. Allele origin: germline. Not counted in ClinVar's aggregate classification.
Comment: This variant is classified as likely benign based on ACMG/AMP sequence variant interpretation guidelines (Richards et al. 2015 PMID: 25741868, with internal and published modifications).